The following is an entry in ClinVar:

ClinVar aggregate classification (germline): Uncertain significance (1 of 4 stars; one submission).

gnomAD v4.1: 14 of 1,612,120 alleles (0.00087%); highest among the groups gnomAD compares: Admixed American, 0.005%; no homozygotes.

Submission:

GeneDx
Classification: Uncertain significance. Last evaluated: 2025-03-21. Review status: criteria provided, single submitter. Criteria: GeneDx Variant Classification Process June 2021. Collection method: clinical testing. Allele origin: germline. Affected: yes.
Comment: In silico analysis indicates that this missense variant does not alter protein structure/function; Has not been previously published as pathogenic or benign to our knowledge

NM_133261.3(GIPC3):c.806C>T (p.Thr269Met)

Gene: GIPC3 (GIPC PDZ domain containing family member 3; plus strand). Cytogenetic location: 19p13.3.
Variant type: single nucleotide variant.
Coding change: c.806C>T on transcript NM_133261.3 (MANE Select); coding-DNA position 806, C replaced by T.
Protein change: p.Thr269Met; replaces threonine 269 with methionine.
Molecular consequence: missense variant. On other transcripts: synonymous variant (1).
Genome position (GRCh38, 1-based): chr19:3,590,057, C>T. VCF-style: chr19-3590057-C-T. GRCh37 (hg19) VCF-style: chr19-3590055-C-T.
Other names: c.819C>T, p.Asp273= (NM_001411144.1); short protein forms T269M.
Identifiers: ClinVar variation 4086771 (VCV004086771.1).